The following is an entry in ClinVar:

NM_144643.4(SCLT1):c.549+1G>A

Gene: SCLT1 (sodium channel and clathrin linker 1; minus strand). Cytogenetic location: 4q28.2.
Variant type: single nucleotide variant.
Coding change: c.549+1G>A on transcript NM_144643.4 (MANE Select); the canonical splice donor site of the intron after coding-DNA position 549, G replaced by A.
Molecular consequence: splice donor variant.
Genome position (GRCh38, 1-based): chr4:128,999,671, C>T on the plus strand (G>A on the coding strand, the complement: SCLT1 is on the minus strand). VCF-style: chr4-128999671-C-T. GRCh37 (hg19) VCF-style: chr4-129920826-C-T.
Other names: c.549+1G>A (NM_001410807.1).
Identifiers: ClinVar variation 4997508 (VCV004997508.1).
Genomic context (GRCh38, chr4:128,999,671, plus strand): 5'-CAGTTTCTTCAGAGTGCAATTTCTTATTGATATACAAGAAAATGATGAAATCCAAGATTA[C>T]CTTTTGTTTTTGACTTTCAAATACATGAATCTGGGCCTCAGTCATATGTTCCTGGTAAAG-3'

ClinVar aggregate classification (germline): Uncertain significance (1 of 4 stars; one submission).

Conditions:
SCLT1-related disorder. Also called: SCLT1-related condition.

Submission:

PreventionGenetics, part of Exact Sciences
Classification: Uncertain significance for SCLT1-related condition. Last evaluated: 2025-06-23. Review status: criteria provided, single submitter. Criteria: ACMG Guidelines, 2015. Collection method: clinical testing. Allele origin: germline.
Comment: The SCLT1 c.549+1G>A variant is predicted to disrupt the GT donor site and interfere with normal splicing. To our knowledge, this variant has not been reported in the literature or in a large population database (gnomAD), indicating this variant is rare. At this time, the clinical significance of this variant is uncertain due to the absence of conclusive functional and genetic evidence.